The following is an entry in ClinVar:

NM_014633.5(CTR9):c.1597+4A>T

Genes: CTR9 (CTR9 component of Paf1/RNA polymerase II complex; plus strand), LOC126861140 (CDK7 strongly-dependent group 2 enhancer GRCh37_chr11:10785333-10786532; plus strand). Cytogenetic location: 11p15.4.
Variant type: single nucleotide variant.
Coding change: c.1597+4A>T on transcript NM_014633.5 (MANE Select); 4 bases into the intron after coding-DNA position 1597, A replaced by T.
Molecular consequence: intron variant.
Genome position (GRCh38, 1-based): chr11:10,764,735, A>T. VCF-style: chr11-10764735-A-T. GRCh37 (hg19) VCF-style: chr11-10786282-A-T.
Other names: c.1597+4A>T (NM_001346279.2).
Identifiers: ClinVar variation 2027701 (VCV002027701.4), dbSNP rs2539380886, ClinGen allele CA2574756826.

ClinVar aggregate classification (germline): Uncertain significance (1 of 4 stars; one submission).

Submission:

Labcorp Genetics (formerly Invitae), Labcorp
Classification: Uncertain significance. Last evaluated: 2022-08-28. Review status: criteria provided, single submitter. Criteria: Invitae Variant Classification Sherloc (09022015). Collection method: clinical testing. Allele origin: germline.
Comment: This sequence change falls in intron 12 of the CTR9 gene. It does not directly change the encoded amino acid sequence of the CTR9 protein. It affects a nucleotide within the consensus splice site. This variant is not present in population databases (gnomAD no frequency). This variant has not been reported in the literature in individuals affected with CTR9-related conditions. Variants that disrupt the consensus splice site are a relatively common cause of aberrant splicing (PMID: 17576681, 9536098). Algorithms developed to predict the effect of sequence changes on RNA splicing suggest that this variant may create or strengthen a splice site. In summary, the available evidence is currently insufficient to determine the role of this variant in disease. Therefore, it has been classified as a Variant of Uncertain Significance.

Literature cited by the submitters: PubMed 17576681; PubMed 9536098.